The following is an entry in ClinVar:

NM_003742.4(ABCB11):c.696G>T (p.Leu232=)

Gene: ABCB11 (ATP binding cassette subfamily B member 11; minus strand). Cytogenetic location: 2q31.1.
Variant type: single nucleotide variant.
Coding change: c.696G>T on transcript NM_003742.4 (MANE Select); coding-DNA position 696, G replaced by T.
Protein change: p.Leu232=; no amino-acid change (leucine 232 retained).
Molecular consequence: synonymous variant.
Genome position (GRCh38, 1-based): chr2:168,993,798, C>A on the plus strand (G>T on the coding strand, the complement: ABCB11 is on the minus strand). VCF-style: chr2-168993798-C-A. GRCh37 (hg19) VCF-style: chr2-169850308-C-A.
Other names: c.696G>T (NM_003742.2).
Identifiers: ClinVar variation 1154715 (VCV001154715.11), dbSNP rs11568358, ClinGen allele CA1951813.

ClinVar aggregate classification (germline): Conflicting classifications of pathogenicity. Review status: criteria provided, conflicting classifications (1 of 4 stars). 3 submissions from 3 submitters: Uncertain significance (2); Likely benign (1). Last evaluated 2026-04-14.

Conditions:
ABCB11-related disorder. Also called: ABCB11-related condition.
Familial intrahepatic cholestasis. Identifiers: Orphanet 284385, MedGen CN296401, MONDO:0017290.

Allele frequency attached by ClinVar (database versions not stated): ExAC 0.00002; gnomAD exomes 0.00002; TOPMed 0.00003; gnomAD 0.00005.
gnomAD v4.1: 113 of 1,611,368 alleles (0.007%); highest among the groups gnomAD compares: Non-Finnish European, 0.0091%; no homozygotes.

Submissions (3):

Genomenon, Inc
Classification: Uncertain significance for Familial intrahepatic cholestasis. Last evaluated: 2026-04-14. Review status: criteria provided, single submitter. Criteria: Genomenon Sequence Variant Interpretation Standards - Updated. Collection method: curation. Allele origin: germline. Affected: no.
Comment: ABCB11 c.696G>T is a synonymous variant that retains Leucine at residue 232. This variant has been reported in the published literature (PMID:20010382;22795478). It is absent or not present at a significant frequency in gnomAD. In silico models predict that this variant is possibly or probably damaging. In conclusion, we classify ABCB11 p.Leu232= (c.696G>T) as a variant of uncertain significance.

PreventionGenetics, part of Exact Sciences
Classification: Uncertain significance for ABCB11-related condition. Last evaluated: 2025-10-21. Review status: criteria provided, single submitter. Criteria: ACMG Guidelines, 2015. Collection method: clinical testing. Allele origin: germline.
Comment: The ABCB11 c.696G>T variant is not predicted to result in an amino acid change (p.=). This variant is predicted to alter splicing based on available splicing prediction programs (SpliceAI, Jaganathan et al. 2019. PubMed ID: 30661751). To our knowledge, this variant has not been reported in the literature. This variant is reported in 0.0047% of alleles in individuals of European (Non-Finnish) descent in gnomAD. At this time, the clinical significance of this variant is uncertain due to the absence of conclusive functional and genetic evidence.

Labcorp Genetics (formerly Invitae), Labcorp
Classification: Likely benign. Last evaluated: 2024-02-12. Review status: criteria provided, single submitter. Criteria: Invitae Variant Classification Sherloc (09022015). Collection method: clinical testing. Allele origin: germline.

Literature cited by the submitters: PubMed 20010382 (cited by Genomenon, Inc); PubMed 22795478 (cited by Genomenon, Inc).